The following is an entry in ClinVar:

NM_001142800.2(EYS):c.8805C>G (p.Tyr2935Ter)

Genes: EYS (EGF-like photoreceptor maintenance factor; minus strand), PHF3 (PHD finger protein 3; plus strand). Cytogenetic location: 6q12.
Variant type: single nucleotide variant.
Coding change: c.8805C>G on transcript NM_001142800.2 (MANE Select); coding-DNA position 8805, C replaced by G.
Protein change: p.Tyr2935Ter; replaces tyrosine 2935 with a stop codon.
Molecular consequence: nonsense. On other transcripts: 3 prime UTR variant (5).
Genome position (GRCh38, 1-based): chr6:63,721,226, G>C on the plus strand (C>G on the coding strand, the complement: EYS is on the minus strand). VCF-style: chr6-63721226-G-C. GRCh37 (hg19) VCF-style: chr6-64431122-G-C.
Other names: c.*7518G>C (NM_001290259.2, NM_001370348.2, NM_001370349.2 and 2 more transcripts); c.8868C>G, p.Tyr2956Ter (NM_001292009.2); short protein forms Y2935*, Y2956*.
Identifiers: ClinVar variation 5004247 (VCV005004247.1).

ClinVar aggregate classification (germline): Pathogenic (1 of 4 stars; one submission).

Conditions:
Retinitis pigmentosa 25 (RP25). Identifiers: Orphanet 791, MedGen C1864446, MONDO:0011272, OMIM 602772.

Submission:

Myriad Genetics, Inc.
Classification: Pathogenic for Retinitis pigmentosa 25. Last evaluated: 2026-04-30. Review status: criteria provided, single submitter. Criteria: Myriad Autosomal Dominant, Autosomal Recessive and X-Linked Classification Criteria (2023). Collection method: clinical testing. Allele origin: unknown.
Comment: NM_001142800.1(EYS):c.8805C>G(Y2935*) is a nonsense variant classified as pathogenic in the context of retinitis pigmentosa, EYS-related. Y2935* has been observed in cases with relevant disease (PMID: 35109811). Relevant functional assessments of this variant are not available in the literature. Y2935* has not been observed in referenced population frequency databases. In summary, NM_001142800.1(EYS):c.8805C>G(Y2935*) is a nonsense variant in a gene where loss of function is a known mechanism of disease, is predicted to disrupt protein function, and has been observed more frequently in cases with the relevant disease than in healthy populations. Please note: this variant was assessed in the context of healthy population screening.

Literature cited by the submitters: PubMed 35109811.